The following is an entry in ClinVar:

ClinVar aggregate classification (germline): Pathogenic (1 of 4 stars; one submission).

Submission:

Labcorp Genetics (formerly Invitae), Labcorp
Classification: Pathogenic. Last evaluated: 2023-03-24. Review status: criteria provided, single submitter. Criteria: Invitae Variant Classification Sherloc (09022015). Collection method: clinical testing. Allele origin: germline.
Comment: This sequence change creates a premature translational stop signal (p.Ser495Cysfs*16) in the RARS2 gene. It is expected to result in an absent or disrupted protein product. Loss-of-function variants in RARS2 are known to be pathogenic (PMID: 17847012, 22569581, 26083569). This variant is present in population databases (rs770811557, gnomAD 0.003%). This variant has not been reported in the literature in individuals affected with RARS2-related conditions. For these reasons, this variant has been classified as Pathogenic.

Literature cited by the submitters: PubMed 17847012; PubMed 22569581; PubMed 26083569.

NM_020320.5(RARS2):c.1484_1485del (p.Ser495fs)

Gene: RARS2 (arginyl-tRNA synthetase 2, mitochondrial; minus strand). Cytogenetic location: 6q15.
Variant type: Deletion.
Coding change: c.1484_1485del on transcript NM_020320.5 (MANE Select); coding-DNA positions 1484 to 1485, 2 bases deleted (CT; older notation c.1484_1485delCT).
Protein change: p.Ser495fs; shifts the reading frame from serine 495.
Molecular consequence: frameshift variant. On other transcripts: non-coding transcript variant (19).
Genome position (GRCh38, 1-based): chr6:87,518,195-87,518,196, AG deleted on the plus strand (CT on the coding strand, the reverse complement: RARS2 is on the minus strand); deleting any 2 consecutive bases within chr6:87,518,195-87,518,197 gives the same sequence; the c. name uses the placement nearest the transcript's 3' end. VCF-style (leftmost placement, unchanged base first): chr6-87518194-CAG-C. GRCh37 (hg19) VCF-style: chr6-88227912-CAG-C.
Other names: c.959_960del, p.Ser320fs (NM_001318785.2, NM_001350506.2, NM_001350507.2 and 4 more transcripts); c.1484_1485del, p.Ser495fs (NM_001350505.2); short protein forms S320fs, S495fs.
Identifiers: ClinVar variation 2849039 (VCV002849039.3), dbSNP rs770811557, ClinGen allele CA3916263.
Genomic context (GRCh38, chr6:87,518,194, plus strand): 5'-GAAGCACACTTGATGATCCCTGGAAAACATCATACCTGAGAAGATGCTGAAGAATTGAAA[CAG>C]ACTGTGGCTCTTGTAAACAAGCAGTGTTGAAGTCATTCAGGTACCCACATCCAAAAGTCT-3'